The following is an entry in ClinVar:

NM_001365951.3(KIF1B):c.1671-3C>A

Gene: KIF1B (kinesin family member 1B; plus strand). Cytogenetic location: 1p36.22.
Variant type: single nucleotide variant.
Coding change: c.1671-3C>A on transcript NM_001365951.3 (MANE Select); 3 bases into the intron before coding-DNA position 1671, C replaced by A.
Molecular consequence: intron variant.
Genome position (GRCh38, 1-based): chr1:10,295,657, C>A. VCF-style: chr1-10295657-C-A. GRCh37 (hg19) VCF-style: chr1-10355715-C-A.
Other names: c.1533-3C>A (NM_183416.4, NM_015074.3, NM_001365953.1); c.1671-3C>A (NM_001365952.1).
Identifiers: ClinVar variation 2048863 (VCV002048863.7), dbSNP rs1302986414, ClinGen allele CA884732495.
Genomic context (GRCh38, chr1:10,295,657, plus strand): 5'-TTCATTGTTTGTAGTGCTTTCTGTGTCTGAATTTCCCTGGGAAACACTTTCTCTTGTGTT[C>A]AGGGTTGGCCAAGCAGATGCTGAGCGGCGCCAGGACATAGTGCTGAGCGGGGCTCACATT-3'

ClinVar aggregate classification (germline): Uncertain significance. Review status: criteria provided, multiple submitters, no conflicts (2 of 4 stars). 2 submissions from 2 submitters: Uncertain significance (2). Last evaluated 2025-12-12.

Conditions:
Charcot-Marie-Tooth disease type 2. Also called: Charcot-Marie-Tooth type 2. Identifiers: Orphanet 64746, MedGen C0270914, MONDO:0018993.

Allele frequency attached by ClinVar (database versions not stated): gnomAD 0.00001; TOPMed 0.00001.
gnomAD v4.1: 3 of 1,612,696 alleles (0.00019%); highest among the groups gnomAD compares: South Asian, 0.0011%; no homozygotes.

Submissions (2):

Ambry Genetics
Classification: Uncertain significance. Last evaluated: 2025-12-12. Review status: criteria provided, single submitter. Criteria: Ambry Variant Classification Scheme 2023. Collection method: clinical testing. Allele origin: germline.
Comment: The c.1533-3C>A intronic variant results from a C to A substitution 3 nucleotides upstream from coding exon 16 in the KIF1B gene. This nucleotide position is well conserved in available vertebrate species. In silico splice site analysis for this alteration is inconclusive. The evidence for this gene-disease relationship is limited; therefore, the clinical significance of this alteration is unclear.

Labcorp Genetics (formerly Invitae), Labcorp
Classification: Uncertain significance for Charcot-Marie-Tooth disease type 2. Last evaluated: 2025-01-27. Review status: criteria provided, single submitter. Criteria: Invitae Variant Classification Sherloc (09022015). Collection method: clinical testing. Allele origin: germline.
Comment: This sequence change falls in intron 16 of the KIF1B gene. It does not directly change the encoded amino acid sequence of the KIF1B protein. It affects a nucleotide within the consensus splice site. This variant is not present in population databases (gnomAD no frequency). This variant has not been reported in the literature in individuals affected with KIF1B-related conditions. ClinVar contains an entry for this variant (Variation ID: 2048863). Variants that disrupt the consensus splice site are a relatively common cause of aberrant splicing (PMID: 17576681, 9536098). Algorithms developed to predict the effect of sequence changes on RNA splicing suggest that this variant is not likely to affect RNA splicing. In summary, the available evidence is currently insufficient to determine the role of this variant in disease. Therefore, it has been classified as a Variant of Uncertain Significance.

Literature cited by the submitters: PubMed 17576681 (cited by Labcorp Genetics (formerly Invitae), Labcorp); PubMed 9536098 (cited by Labcorp Genetics (formerly Invitae), Labcorp).